The following is an entry in ClinVar:

NM_002972.4(SBF1):c.1061C>T (p.Thr354Met)

Gene: SBF1 (SET binding factor 1; minus strand). Cytogenetic location: 22q13.33.
Variant type: single nucleotide variant.
Coding change: c.1061C>T on transcript NM_002972.4 (MANE Select); coding-DNA position 1061, C replaced by T.
Protein change: p.Thr354Met; replaces threonine 354 with methionine.
Molecular consequence: missense variant.
Genome position (GRCh38, 1-based): chr22:50,465,791, G>A on the plus strand (C>T on the coding strand, the complement: SBF1 is on the minus strand). VCF-style: chr22-50465791-G-A. GRCh37 (hg19) VCF-style: chr22-50904220-G-A.
Other names: c.1064C>T, p.Thr355Met (NM_001365819.1); short protein forms T354M, T355M.
Identifiers: ClinVar variation 1387050 (VCV001387050.3), dbSNP rs749723222, ClinGen allele CA10317852.

ClinVar aggregate classification (germline): Uncertain significance (1 of 4 stars; one submission).

Allele frequency attached by ClinVar (database versions not stated): gnomAD 0.00001; TOPMed 0.00002.

Submission:

Labcorp Genetics (formerly Invitae), Labcorp
Classification: Uncertain significance. Last evaluated: 2022-07-05. Review status: criteria provided, single submitter. Criteria: Invitae Variant Classification Sherloc (09022015). Collection method: clinical testing. Allele origin: germline.
Comment: This sequence change replaces threonine, which is neutral and polar, with methionine, which is neutral and non-polar, at codon 354 of the SBF1 protein (p.Thr354Met). The frequency data for this variant in the population databases is considered unreliable, as metrics indicate poor data quality at this position in the gnomAD database. This variant has not been reported in the literature in individuals affected with SBF1-related conditions. ClinVar contains an entry for this variant (Variation ID: 1387050). Algorithms developed to predict the effect of missense changes on protein structure and function output the following: SIFT: "Deleterious"; PolyPhen-2: "Benign"; Align-GVGD: "Class C0". The methionine amino acid residue is found in multiple mammalian species, which suggests that this missense change does not adversely affect protein function. In summary, the available evidence is currently insufficient to determine the role of this variant in disease. Therefore, it has been classified as a Variant of Uncertain Significance.